The following is an entry in ClinVar:

NM_152490.5(B3GALNT2):c.448C>T (p.Arg150Ter)

Gene: B3GALNT2 (beta-1,3-N-acetylgalactosaminyltransferase 2; minus strand). Cytogenetic location: 1q42.3.
Variant type: single nucleotide variant.
Coding change: c.448C>T on transcript NM_152490.5 (MANE Select); coding-DNA position 448, C replaced by T.
Protein change: p.Arg150Ter; replaces arginine 150 with a stop codon.
Molecular consequence: nonsense.
Genome position (GRCh38, 1-based): chr1:235,484,429, G>A on the plus strand (C>T on the coding strand, the complement: B3GALNT2 is on the minus strand). VCF-style: chr1-235484429-G-A. GRCh37 (hg19) VCF-style: chr1-235647745-G-A.
Other names: B3GALNT2, ARG150TER; c.571C>T, p.Arg191Ter (NM_001277155.3); short protein forms R150*, R191*.
Identifiers: ClinVar variation 578921 (VCV000578921.9), dbSNP rs1282726649, ClinGen allele CA344925284.

ClinVar aggregate classification (germline): Pathogenic. Review status: criteria provided, multiple submitters, no conflicts (2 of 4 stars). 4 submissions from 4 submitters: Pathogenic (3). 1 of the submissions does not count toward it. Last evaluated 2025-05-22.

Conditions:
Muscular dystrophy-dystroglycanopathy. Also called: Congenital muscular dystrophy due to dystroglycanopathy. Identifiers: Orphanet 370953, MedGen C5679911, MONDO:0018276.
Muscular dystrophy-dystroglycanopathy (congenital with brain and eye anomalies), type a, 11 (MDDGA11). Also called: Congenital muscular dystrophy-dystroglycanopathy with brain and eye anomalies, type A11; Muscular dystrophy-dystroglycanopathy (congenital with brain and eye anomalies, type A, 11; WALKER-WARBURG SYNDROME OR MUSCLE-EYE-BRAIN DISEASE, B3GALNT2-RELATED. Identifiers: Orphanet 588, Orphanet 899, MedGen C3554638, MONDO:0014071, OMIM 615181.

Allele frequency attached by ClinVar (database versions not stated): gnomAD exomes 0.00001; TOPMed 0.00001.

Submissions (4):

First Genomix Gene Laboratory, Genetic Diagnostics Department
Classification: Pathogenic for Muscular dystrophy-dystroglycanopathy (congenital with brain and eye anomalies), type a, 11. Last evaluated: 2025-05-22. Review status: criteria provided, single submitter. Criteria: ACMG Guidelines, 2015. Collection method: clinical testing. Allele origin: germline. Inheritance: Autosomal recessive inheritance. Affected: no. Observed: 1 variant allele.

Dubai Health Genomic Medicine Center, Dubai Health
Classification: Pathogenic for Muscular dystrophy-dystroglycanopathy. Last evaluated: 2024-10-04. Review status: criteria provided, single submitter. Criteria: ACMG Guidelines, 2015. Collection method: research. Allele origin: germline. Affected: yes.
Comment: PVS1,PM2

Labcorp Genetics (formerly Invitae), Labcorp
Classification: Pathogenic for Muscular dystrophy-dystroglycanopathy (congenital with brain and eye anomalies), type a, 11. Last evaluated: 2017-10-27. Review status: criteria provided, single submitter. Criteria: Invitae Variant Classification Sherloc (09022015). Collection method: clinical testing. Allele origin: germline.
Comment: This sequence change creates a premature translational stop signal (p.Arg150*) in the B3GALNT2 gene. It is expected to result in an absent or disrupted protein product. This variant is not present in population databases (ExAC no frequency). This variant has not been reported in the literature in individuals with B3GALNT2-related disease. Loss-of-function variants in B3GALNT2 are known to be pathogenic (PMID: 23453667). For these reasons, this variant has been classified as Pathogenic.

OMIM
Classification: Pathogenic for MUSCULAR DYSTROPHY-DYSTROGLYCANOPATHY (CONGENITAL WITH BRAIN AND EYE ANOMALIES), TYPE A, 11. Last evaluated: 2022-04-21. Review status: no assertion criteria provided. Collection method: literature only. Allele origin: germline. Not counted in ClinVar's aggregate classification.

Literature cited by the submitters: PubMed 23453667 (cited by Labcorp Genetics (formerly Invitae), Labcorp); PubMed 29791932 (cited by OMIM).